The following is an entry in ClinVar:

ClinVar aggregate classification (germline): Pathogenic (1 of 4 stars; one submission).

Conditions:
Neuromuscular disease caused by qualitative or quantitative defects of dystrophin. Also called: Qualitative or quantitative defects of dystrophin. Identifiers: Orphanet 207085, MedGen C5679787, MONDO:0016147.

Submission:

Women's Health and Genetics/Laboratory Corporation of America, LabCorp
Classification: Pathogenic for Neuromuscular disease caused by qualitative or quantitative defects of dystrophin. Last evaluated: 2023-03-30. Review status: criteria provided, single submitter. Criteria: LabCorp Variant Classification Summary - May 2015. Collection method: clinical testing. Allele origin: germline.
Comment: Variant summary: The variant identified by MLPA or other technology involves the deletion of exons 22-43 in the DMD gene. A presumed nomenclature of c.(2803+1_2804-1)_(6290+1_6291-1)del has been designated for the purposes of this classification. Although exact breakpoints of this deletion are not known, it is expected to result in a frameshift in the DMD gene, a known mechanism of disease. The variant was absent in 16120 control chromosomes (gnomAD database, Structural Variants dataset). c.(2803+1_2804-1)_(6290+1_6291-1)del has been reported in the literature in individuals affected with Dystrophinopathies (Neri_2020, Singh_1997, Tuffery-Giraud_2009, Xu_2018). These data indicate that the variant is likely to be associated with disease. No submitters have provided clinical-significance assessments for this variant to ClinVar after 2014. Based on the evidence outlined above, the variant was classified as pathogenic.

Literature cited by the submitters: PubMed 19367636; PubMed 29604111; PubMed 32194622; PubMed 9048922.

NC_000023.10:g.(32235181_32305645)_(32490427_32503035)del

Gene: DMD (dystrophin; minus strand). Cytogenetic location: Xp21.1.
Variant type: Deletion.
Identifiers: ClinVar variation 2501152 (VCV002501152.1).